The following is an entry in ClinVar:

ClinVar aggregate classification (germline): Uncertain significance (1 of 4 stars; one submission).

Conditions:
Autosomal recessive distal spinal muscular atrophy 1. Also called: SEVERE INFANTILE AXONAL NEUROPATHY WITH RESPIRATORY FAILURE; SPINAL MUSCULAR ATROPHY, DIAPHRAGMATIC; Spinal muscular atrophy with respiratory distress 1; HMN VI; NEURONOPATHY, SEVERE INFANTILE AXONAL, WITH RESPIRATORY FAILURE; NEURONOPATHY, DISTAL HEREDITARY MOTOR, HARDING TYPE VI. Identifiers: Orphanet 98920, MedGen C1858517, MONDO:0011436, OMIM 604320.
Charcot-Marie-Tooth disease axonal type 2S. Also called: CHARCOT-MARIE-TOOTH DISEASE, AXONAL, AUTOSOMAL RECESSIVE, TYPE 2S; CHARCOT-MARIE-TOOTH NEUROPATHY, TYPE 2S. Identifiers: Orphanet 443073, MedGen C4015349, MONDO:0014511, OMIM 616155.

Allele frequency attached by ClinVar (database versions not stated): gnomAD exomes below 0.00001 and 0.00001; gnomAD 0.00001.
gnomAD v4.1: 6 of 1,614,032 alleles (0.00037%); highest among the groups gnomAD compares: African/African-American, 0.0013%; no homozygotes.

Submission:

Labcorp Genetics (formerly Invitae), Labcorp
Classification: Uncertain significance for Autosomal recessive distal spinal muscular atrophy 1; Charcot-Marie-Tooth disease axonal type 2S. Last evaluated: 2021-08-30. Review status: criteria provided, single submitter. Criteria: Invitae Variant Classification Sherloc (09022015). Collection method: clinical testing. Allele origin: germline.
Comment: This sequence change replaces asparagine with serine at codon 619 of the IGHMBP2 protein (p.Asn619Ser). The asparagine residue is moderately conserved and there is a small physicochemical difference between asparagine and serine. This variant is not present in population databases (ExAC no frequency). This variant has not been reported in the literature in individuals affected with IGHMBP2-related conditions. Algorithms developed to predict the effect of missense changes on protein structure and function output the following: SIFT: "Tolerated"; PolyPhen-2: "Benign"; Align-GVGD: "Class C0". The serine amino acid residue is found in multiple mammalian species, which suggests that this missense change does not adversely affect protein function. Algorithms developed to predict the effect of sequence changes on RNA splicing suggest that this variant may create or strengthen a splice site. In summary, the available evidence is currently insufficient to determine the role of this variant in disease. Therefore, it has been classified as a Variant of Uncertain Significance.

NM_002180.3(IGHMBP2):c.1856A>G (p.Asn619Ser)

Gene: IGHMBP2 (immunoglobulin mu DNA binding protein 2; plus strand). Cytogenetic location: 11q13.3.
Variant type: single nucleotide variant.
Coding change: c.1856A>G on transcript NM_002180.3 (MANE Select); coding-DNA position 1856, A replaced by G.
Protein change: p.Asn619Ser; replaces asparagine 619 with serine.
Molecular consequence: missense variant.
Genome position (GRCh38, 1-based): chr11:68,936,336, A>G. VCF-style: chr11-68936336-A-G. GRCh37 (hg19) VCF-style: chr11-68703804-A-G.
Other names: short protein forms N619S.
Identifiers: ClinVar variation 841116 (VCV000841116.7), dbSNP rs943195178, ClinGen allele CA223413103.